The following is an entry in ClinVar:

NC_000015.9:g.(?_48499917)_(48500356_?)del

Gene: SLC12A1 (solute carrier family 12 member 1; plus strand). Cytogenetic location: 15q21.1.
Variant type: Deletion.
Identifiers: ClinVar variation 3243857 (VCV003243857.1).

ClinVar aggregate classification (germline): Pathogenic (1 of 4 stars; one submission).

Submission:

Labcorp Genetics (formerly Invitae), Labcorp
Classification: Pathogenic. Last evaluated: 2023-02-20. Review status: criteria provided, single submitter. Criteria: Invitae Variant Classification Sherloc (09022015). Collection method: clinical testing. Allele origin: unknown.
Comment: For these reasons, this variant has been classified as Pathogenic. This variant has not been reported in the literature in individuals affected with SLC12A1-related conditions. This variant is a gross deletion of the genomic region encompassing exon(s) 2 of the SLC12A1 gene, which includes the initiator codon. This deletion extends beyond the assayed region for this gene and therefore may encompass additional genes. It is expected to result in an absent or disrupted protein product. Loss-of-function variants in SLC12A1 are known to be pathogenic (PMID: 8640224, 9585600, 19096086).

Literature cited by the submitters: PubMed 8640224; PubMed 9585600; PubMed 19096086.